The following is an entry in ClinVar:

ClinVar aggregate classification (germline): Uncertain significance (1 of 4 stars; one submission).

Conditions:
Cardiovascular phenotype. Identifiers: MedGen CN230736.

gnomAD v4.1: 1 of 1,613,746 alleles (0.000062%); highest among the groups gnomAD compares: African/African-American, 0.0013%; no homozygotes.

Submission:

Ambry Genetics
Classification: Uncertain significance for Cardiovascular phenotype. Last evaluated: 2024-08-19. Review status: criteria provided, single submitter. Criteria: Ambry Variant Classification Scheme 2023. Collection method: clinical testing. Allele origin: germline.
Comment: The p.Y145H variant (also known as c.433T>C), located in coding exon 5 of the TMEM43 gene, results from a T to C substitution at nucleotide position 433. The tyrosine at codon 145 is replaced by histidine, an amino acid with similar properties. This amino acid position is conserved. In addition, this alteration is predicted to be deleterious by in silico analysis. Based on the available evidence, the clinical significance of this variant remains unclear.

NM_024334.3(TMEM43):c.433T>C (p.Tyr145His)

Gene: TMEM43 (transmembrane protein 43; plus strand). Cytogenetic location: 3p25.1.
Variant type: single nucleotide variant.
Coding change: c.433T>C on transcript NM_024334.3 (MANE Select); coding-DNA position 433, T replaced by C.
Protein change: p.Tyr145His; replaces tyrosine 145 with histidine.
Molecular consequence: missense variant.
Genome position (GRCh38, 1-based): chr3:14,132,586, T>C. VCF-style: chr3-14132586-T-C. GRCh37 (hg19) VCF-style: chr3-14174086-T-C.
Other names: c.433T>C, p.Tyr145His (NM_001407274.1, NM_001407275.1, NM_001407276.1 and 2 more transcripts); c.418T>C, p.Tyr140His (NM_001407278.1); c.283T>C, p.Tyr95His (NM_001407280.1); short protein forms Y140H, Y145H, Y95H.
Identifiers: ClinVar variation 3458415 (VCV003458415.1).